The following is an entry in ClinVar:

ClinVar aggregate classification (germline): Uncertain significance (1 of 4 stars; one submission).

Conditions:
Progressive sclerosing poliodystrophy (MTDPS4A). Also called: ALPERS PROGRESSIVE INFANTILE POLIODYSTROPHY; NEURONAL DEGENERATION OF CHILDHOOD WITH LIVER DISEASE, PROGRESSIVE; Alpers Syndrome; ALPERS DIFFUSE DEGENERATION OF CEREBRAL GRAY MATTER WITH HEPATIC CIRRHOSIS; Alpers-Huttenlocher Syndrome; Mitochondrial DNA depletion syndrome 4A (Alpers type). Identifiers: Orphanet 726, MedGen C0205710, MONDO:0008758, OMIM 203700.

Submission:

Labcorp Genetics (formerly Invitae), Labcorp
Classification: Uncertain significance for Progressive sclerosing poliodystrophy. Last evaluated: 2024-05-14. Review status: criteria provided, single submitter. Criteria: Invitae Variant Classification Sherloc (09022015). Collection method: clinical testing. Allele origin: germline.
Comment: This sequence change replaces glutamic acid, which is acidic and polar, with glutamine, which is neutral and polar, at codon 1056 of the POLG protein (p.Glu1056Gln). This variant is not present in population databases (gnomAD no frequency). This variant has not been reported in the literature in individuals affected with POLG-related conditions. Advanced modeling of protein sequence and biophysical properties (such as structural, functional, and spatial information, amino acid conservation, physicochemical variation, residue mobility, and thermodynamic stability) performed at Invitae indicates that this missense variant is not expected to disrupt POLG protein function with a negative predictive value of 95%. In summary, the available evidence is currently insufficient to determine the role of this variant in disease. Therefore, it has been classified as a Variant of Uncertain Significance.

NM_002693.3(POLG):c.3166G>C (p.Glu1056Gln)

Gene: POLG (DNA polymerase gamma, catalytic subunit; minus strand). Cytogenetic location: 15q26.1.
Variant type: single nucleotide variant.
Coding change: c.3166G>C on transcript NM_002693.3 (MANE Select); coding-DNA position 3166, G replaced by C.
Protein change: p.Glu1056Gln; replaces glutamic acid 1056 with glutamine.
Molecular consequence: missense variant.
Genome position (GRCh38, 1-based): chr15:89,319,038, C>G on the plus strand (G>C on the coding strand, the complement: POLG is on the minus strand). VCF-style: chr15-89319038-C-G. GRCh37 (hg19) VCF-style: chr15-89862269-C-G.
Other names: c.3166G>C, p.Glu1056Gln (NM_001126131.2); short protein forms E1056Q.
Identifiers: ClinVar variation 3615115 (VCV003615115.2).